The following is an entry in ClinVar:

ClinVar aggregate classification (germline): Likely benign (1 of 4 stars; one submission).

Conditions:
LAMA3-related disorder. Also called: LAMA3-related disorders; LAMA3-related condition.

gnomAD v4.1: 25 of 1,613,700 alleles (0.0015%); highest among the groups gnomAD compares: African/African-American, 0.032%; no homozygotes.

Submission:

PreventionGenetics, part of Exact Sciences
Classification: Likely benign for LAMA3-related condition. Last evaluated: 2026-05-15. Review status: criteria provided, single submitter. Criteria: ACMG Guidelines, 2015. Collection method: clinical testing. Allele origin: germline.
Comment: This variant is classified as likely benign based on ACMG/AMP sequence variant interpretation guidelines (Richards et al. 2015 PMID: 25741868, with internal and published modifications).

NM_198129.4(LAMA3):c.2862C>T (p.Gly954=)

Gene: LAMA3 (laminin subunit alpha 3; plus strand). Cytogenetic location: 18q11.2.
Variant type: single nucleotide variant.
Coding change: c.2862C>T on transcript NM_198129.4 (MANE Select); coding-DNA position 2862, C replaced by T.
Protein change: p.Gly954=; no amino-acid change (glycine 954 retained).
Molecular consequence: synonymous variant.
Genome position (GRCh38, 1-based): chr18:23,833,866, C>T. VCF-style: chr18-23833866-C-T. GRCh37 (hg19) VCF-style: chr18-21413830-C-T.
Other names: c.2862C>T, p.Gly954= (NM_001127717.4).
Identifiers: ClinVar variation 4980632 (VCV004980632.1).